The following is an entry in ClinVar:

NM_001365999.1(SZT2):c.6532G>T (p.Val2178Leu)

Gene: SZT2 (SZT2 subunit of KICSTOR complex; plus strand). Cytogenetic location: 1p34.2.
Variant type: single nucleotide variant.
Coding change: c.6532G>T on transcript NM_001365999.1 (MANE Select); coding-DNA position 6532, G replaced by T.
Protein change: p.Val2178Leu; replaces valine 2178 with leucine.
Molecular consequence: missense variant.
Genome position (GRCh38, 1-based): chr1:43,438,722, G>T. VCF-style: chr1-43438722-G-T. GRCh37 (hg19) VCF-style: chr1-43904393-G-T.
Other names: c.6361G>T, p.Val2121Leu (NM_015284.4); short protein forms V2121L, V2178L.
Identifiers: ClinVar variation 649308 (VCV000649308.8), dbSNP rs143685264, ClinGen allele CA340030778.

ClinVar aggregate classification (germline): Uncertain significance (1 of 4 stars; one submission).

gnomAD v4.1: 5 of 1,613,958 alleles (0.00031%); highest among the groups gnomAD compares: Non-Finnish European, 0.00042%; no homozygotes.

Submission:

Labcorp Genetics (formerly Invitae), Labcorp
Classification: Uncertain significance. Last evaluated: 2021-08-31. Review status: criteria provided, single submitter. Criteria: Invitae Variant Classification Sherloc (09022015). Collection method: clinical testing. Allele origin: germline.
Comment: This sequence change replaces valine with leucine at codon 2121 of the SZT2 protein (p.Val2121Leu). The valine residue is highly conserved and there is a small physicochemical difference between valine and leucine. This variant is not present in population databases (ExAC no frequency). This variant has not been reported in the literature in individuals affected with SZT2-related conditions. Algorithms developed to predict the effect of missense changes on protein structure and function are either unavailable or do not agree on the potential impact of this missense change (SIFT: "Tolerated"; PolyPhen-2: "Possibly Damaging"; Align-GVGD: "Class C0"). In summary, the available evidence is currently insufficient to determine the role of this variant in disease. Therefore, it has been classified as a Variant of Uncertain Significance.